The following is an entry in ClinVar:

NM_014989.7(RIMS1):c.2051A>G (p.Gln684Arg)

Gene: RIMS1 (regulating synaptic membrane exocytosis 1; plus strand). Cytogenetic location: 6q13.
Variant type: single nucleotide variant.
Coding change: c.2051A>G on transcript NM_014989.7 (MANE Select); coding-DNA position 2051, A replaced by G.
Protein change: p.Gln684Arg; replaces glutamine 684 with arginine.
Molecular consequence: missense variant.
Genome position (GRCh38, 1-based): chr6:72,242,407, A>G. VCF-style: chr6-72242407-A-G. GRCh37 (hg19) VCF-style: chr6-72952110-A-G.
Other names: c.473A>G, p.Gln158Arg (NM_001168407.2, NM_001168408.2, NM_001350414.2 and 37 more transcripts); c.230A>G, p.Gln77Arg (NM_001168409.2, NM_001350461.2, NM_001350463.2 and 6 more transcripts); c.428A>G, p.Gln143Arg (NM_001168410.2, NM_001350470.2, NM_001350472.2 and 2 more transcripts); c.404A>G, p.Gln135Arg (NM_001350421.2, NM_001350424.2, NM_001350428.2 and 6 more transcripts); short protein forms Q135R, Q684R, Q77R, Q143R, Q158R.
Identifiers: ClinVar variation 1368085 (VCV001368085.8), dbSNP rs2154113778, ClinGen allele CA364676950.

ClinVar aggregate classification (germline): Uncertain significance (1 of 4 stars; one submission).

Submission:

Labcorp Genetics (formerly Invitae), Labcorp
Classification: Uncertain significance. Last evaluated: 2021-01-30. Review status: criteria provided, single submitter. Criteria: Invitae Variant Classification Sherloc (09022015). Collection method: clinical testing. Allele origin: germline.
Comment: In summary, the available evidence is currently insufficient to determine the role of this variant in disease. Therefore, it has been classified as a Variant of Uncertain Significance. Algorithms developed to predict the effect of missense changes on protein structure and function (SIFT, PolyPhen-2, Align-GVGD) all suggest that this variant is likely to be disruptive, but these predictions have not been confirmed by published functional studies and their clinical significance is uncertain. This variant has not been reported in the literature in individuals with RIMS1-related conditions. This variant is not present in population databases (ExAC no frequency). This sequence change replaces glutamine with arginine at codon 684 of the RIMS1 protein (p.Gln684Arg). The glutamine residue is highly conserved and there is a small physicochemical difference between glutamine and arginine.